The following is an entry in ClinVar:

NM_001429.4(EP300):c.2132-9T>C

Gene: EP300 (E1A binding protein p300; plus strand). Cytogenetic location: 22q13.2.
Variant type: single nucleotide variant.
Coding change: c.2132-9T>C on transcript NM_001429.4 (MANE Select); 9 bases into the intron before coding-DNA position 2132, T replaced by C.
Molecular consequence: intron variant.
Genome position (GRCh38, 1-based): chr22:41,147,828, T>C. VCF-style: chr22-41147828-T-C. GRCh37 (hg19) VCF-style: chr22-41543832-T-C.
Other names: c.2054-9T>C (NM_001362843.2).
Identifiers: ClinVar variation 3048369 (VCV003048369.2), dbSNP rs765267822, ClinGen allele CA10252763.
Genomic context (GRCh38, chr22:41,147,828, plus strand): 5'-AAGAATTCTATCTTTTATTATTCAATTTCACAAAGGCATTCAGATCTAACATTTTGCTCA[T>C]ATTCACAGGTTTGAATCAATTTGGCCAGATGAGCATGGCCCAGCCCCCTATTGTACCCCG-3'

ClinVar aggregate classification (germline): Likely benign (0 of 4 stars; one submission).

Conditions:
EP300-related disorder. Also called: EP300-related disorders; EP300-related condition.

Allele frequency attached by ClinVar (database versions not stated): gnomAD exomes below 0.00001; ExAC 0.00001; gnomAD 0.00001.
gnomAD v4.1: 2 of 1,597,446 alleles (0.00013%); highest among the groups gnomAD compares: South Asian, 0.0022%; no homozygotes.

Submission:

PreventionGenetics, part of Exact Sciences
Classification: Likely benign for EP300-related condition. Last evaluated: 2022-07-27. Review status: no assertion criteria provided. Collection method: clinical testing. Allele origin: germline.
Comment: This variant is classified as likely benign based on ACMG/AMP sequence variant interpretation guidelines (Richards et al. 2015 PMID: 25741868, with internal and published modifications).